The following is an entry in ClinVar:

ClinVar aggregate classification (germline): Uncertain significance. Review status: criteria provided, multiple submitters, no conflicts (2 of 4 stars). 2 submissions from 2 submitters: Uncertain significance (2). Last evaluated 2025-05-07.

Conditions:
Hereditary nonpolyposis colorectal neoplasms. Identifiers: MedGen C0009405, MeSH D003123.
Hereditary cancer-predisposing syndrome. Also called: Hereditary neoplastic syndrome; Neoplastic Syndromes, Hereditary; Hereditary Cancer Syndrome; Tumor predisposition. Identifiers: Orphanet 140162, MedGen C0027672, MeSH D009386, MONDO:0015356.

Allele frequency attached by ClinVar (database versions not stated): gnomAD exomes below 0.00001; TOPMed below 0.00001.
gnomAD v4.1: 2 of 1,614,072 alleles (0.00012%); highest among the groups gnomAD compares: East Asian, 0.0022%; no homozygotes.

Submissions (2):

Ambry Genetics
Classification: Uncertain significance for Hereditary cancer-predisposing syndrome. Last evaluated: 2025-05-07. Review status: criteria provided, single submitter. Criteria: Ambry Variant Classification Scheme 2023. Collection method: clinical testing. Allele origin: germline.
Comment: The p.Q236R variant (also known as c.707A>G), located in coding exon 4 of the MSH6 gene, results from an A to G substitution at nucleotide position 707. The glutamine at codon 236 is replaced by arginine, an amino acid with highly similar properties. This variant has been identified in a cohort of 8085 Chinese breast cancer patients (Hu L et al. NPJ Breast Cancer, 2022 Apr;8:52). This amino acid position is not well conserved in available vertebrate species. In addition, this alteration is predicted to be tolerated by in silico analysis. Based on the available evidence, the clinical significance of this variant remains unclear.

Labcorp Genetics (formerly Invitae), Labcorp
Classification: Uncertain significance for Hereditary nonpolyposis colorectal neoplasms. Last evaluated: 2025-01-30. Review status: criteria provided, single submitter. Criteria: Invitae Variant Classification Sherloc (09022015). Collection method: clinical testing. Allele origin: germline.
Comment: This sequence change replaces glutamine, which is neutral and polar, with arginine, which is basic and polar, at codon 236 of the MSH6 protein (p.Gln236Arg). This variant is not present in population databases (gnomAD no frequency). This variant has not been reported in the literature in individuals affected with MSH6-related conditions. ClinVar contains an entry for this variant (Variation ID: 1485882). Invitae Evidence Modeling of protein sequence and biophysical properties (such as structural, functional, and spatial information, amino acid conservation, physicochemical variation, residue mobility, and thermodynamic stability) indicates that this missense variant is not expected to disrupt MSH6 protein function with a negative predictive value of 95%. In summary, the available evidence is currently insufficient to determine the role of this variant in disease. Therefore, it has been classified as a Variant of Uncertain Significance.

Literature cited by the submitters: PubMed 35449176 (cited by Ambry Genetics).

NM_000179.3(MSH6):c.707A>G (p.Gln236Arg)

Gene: MSH6 (mutS homolog 6; plus strand). Cytogenetic location: 2p16.3.
Variant type: single nucleotide variant.
Coding change: c.707A>G on transcript NM_000179.3 (MANE Select); coding-DNA position 707, A replaced by G.
Protein change: p.Gln236Arg; replaces glutamine 236 with arginine.
Molecular consequence: missense variant. On other transcripts: 5 prime UTR variant (2).
Genome position (GRCh38, 1-based): chr2:47,798,690, A>G. VCF-style: chr2-47798690-A-G. GRCh37 (hg19) VCF-style: chr2-48025829-A-G.
Other names: c.317A>G, p.Gln106Arg (NM_001281492.2); c.-200A>G (NM_001281493.2, NM_001281494.2); c.707A>G (NM_000179.2); short protein forms Q106R, Q236R.
Identifiers: ClinVar variation 1485882 (VCV001485882.7), dbSNP rs1669246932, ClinGen allele CA346739983.